The following is an entry in ClinVar:

NM_001127222.2(CACNA1A):c.2802C>G (p.His934Gln)

Gene: CACNA1A (calcium voltage-gated channel subunit alpha1 A; minus strand). Cytogenetic location: 19p13.13.
Variant type: single nucleotide variant.
Coding change: c.2802C>G on transcript NM_001127222.2 (MANE Select); coding-DNA position 2802, C replaced by G.
Protein change: p.His934Gln; replaces histidine 934 with glutamine.
Molecular consequence: missense variant.
Genome position (GRCh38, 1-based): chr19:13,298,831, G>C on the plus strand (C>G on the coding strand, the complement: CACNA1A is on the minus strand). VCF-style: chr19-13298831-G-C. GRCh37 (hg19) VCF-style: chr19-13409645-G-C.
Other names: c.2814C>G, p.His938Gln (NM_000068.4, NM_023035.3); c.2805C>G, p.His935Gln (NM_001127221.2, NM_001174080.2); short protein forms H934Q, H935Q, H938Q.
Identifiers: ClinVar variation 3764020 (VCV003764020.7).
Genomic context (GRCh38, chr19:13,298,831, plus strand): 5'-CTCCCCGTCCGCGCCCGTGCGCGGGGACCCGCTGCGGCTCTCCCTGCTGCCCCCCTGCCG[G>C]TGCACGTGCCTCCGGTGGGGGTCCCCGGCCTTGCCTCGCTCGGCCTCGCCCTCCCAGAAC-3'
Protein context (NP_001120694.1, residues 924-944): KAGDPHRRHV[His934Gln]RQGGSRESRS

ClinVar aggregate classification (germline): Uncertain significance. Review status: criteria provided, multiple submitters, no conflicts (2 of 4 stars). 2 submissions from 2 submitters: Uncertain significance (2). Last evaluated 2025-12-01.

Conditions:
Episodic ataxia type 2 (EA2). Also called: ATAXIA, EPISODIC, WITH NYSTAGMUS; ATAXIA, FAMILIAL PAROXYSMAL; CEREBELLAR ATAXIA, PAROXYSMAL, ACETAZOLAMIDE-RESPONSIVE; CEREBELLOPATHY, HEREDITARY PAROXYSMAL; EPISODIC ATAXIA, NYSTAGMUS-ASSOCIATED; ACETAZOLAMIDE-RESPONSIVE HEREDITARY PAROXYSMAL CEREBELLAR ATAXIA. Identifiers: Orphanet 97, MedGen C1720416, MONDO:0007163, OMIM 108500.
Developmental and epileptic encephalopathy, 42 (DEE42A). Also called: EPILEPTIC ENCEPHALOPATHY, EARLY INFANTILE, 42A; DEVELOPMENTAL AND EPILEPTIC ENCEPHALOPATHY 42A; Epileptic encephalopathy, early infantile, 42. Identifiers: MedGen C4310716, MONDO:0014917, OMIM 617106.

gnomAD v4.1: 4 of 1,579,534 alleles (0.00025%); highest among the groups gnomAD compares: Non-Finnish European, 0.00034%; no homozygotes.

Submissions (2):

CeGaT Center for Human Genetics Tuebingen
Classification: Uncertain significance. Last evaluated: 2025-12-01. Review status: criteria provided, single submitter. Criteria: CeGaT Center For Human Genetics Tuebingen Variant Classification Criteria Version 2. Collection method: clinical testing. Allele origin: germline. Affected: yes. Observed: 1 variant allele.
Comment: CACNA1A: PP3

Labcorp Genetics (formerly Invitae), Labcorp
Classification: Uncertain significance for Developmental and epileptic encephalopathy, 42; Episodic ataxia type 2. Last evaluated: 2024-12-05. Review status: criteria provided, single submitter. Criteria: Invitae Variant Classification Sherloc (09022015). Collection method: clinical testing. Allele origin: germline.
Comment: This sequence change replaces histidine, which is basic and polar, with glutamine, which is neutral and polar, at codon 935 of the CACNA1A protein (p.His935Gln). This variant is present in population databases (rs773908713, gnomAD 0.003%). This variant has not been reported in the literature in individuals affected with CACNA1A-related conditions. Invitae Evidence Modeling of protein sequence and biophysical properties (such as structural, functional, and spatial information, amino acid conservation, physicochemical variation, residue mobility, and thermodynamic stability) indicates that this missense variant is not expected to disrupt CACNA1A protein function with a negative predictive value of 95%. In summary, the available evidence is currently insufficient to determine the role of this variant in disease. Therefore, it has been classified as a Variant of Uncertain Significance.